The following is an entry in ClinVar:

ClinVar aggregate classification (germline): Uncertain significance (1 of 4 stars; one submission).

Conditions:
Immunodeficiency 39 (IMD39). Identifiers: Orphanet 574918, MedGen C4225358, MONDO:0014597, OMIM 616345.

Submission:

Labcorp Genetics (formerly Invitae), Labcorp
Classification: Uncertain significance for Immunodeficiency 39. Last evaluated: 2025-08-24. Review status: criteria provided, single submitter. Criteria: Invitae Variant Classification Sherloc (09022015). Collection method: clinical testing. Allele origin: germline.
Comment: This sequence change replaces arginine, which is basic and polar, with leucine, which is neutral and non-polar, at codon 62 of the IRF7 protein (p.Arg62Leu). This variant is not present in population databases (gnomAD no frequency). This variant has not been reported in the literature in individuals affected with IRF7-related conditions. Invitae Evidence Modeling of protein sequence and biophysical properties (such as structural, functional, and spatial information, amino acid conservation, physicochemical variation, residue mobility, and thermodynamic stability) indicates that this missense variant is expected to disrupt IRF7 protein function with a positive predictive value of 80%. In summary, the available evidence is currently insufficient to determine the role of this variant in disease. Therefore, it has been classified as a Variant of Uncertain Significance.

NM_001572.5(IRF7):c.146G>T (p.Arg49Leu)

Gene: IRF7 (interferon regulatory factor 7; minus strand). Cytogenetic location: 11p15.5.
Variant type: single nucleotide variant.
Coding change: c.146G>T on transcript NM_001572.5 (MANE Select); coding-DNA position 146, G replaced by T.
Protein change: p.Arg49Leu; replaces arginine 49 with leucine.
Molecular consequence: missense variant.
Genome position (GRCh38, 1-based): chr11:615,134, C>A on the plus strand (G>T on the coding strand, the complement: IRF7 is on the minus strand). VCF-style: chr11-615134-C-A. GRCh37 (hg19) VCF-style: chr11-615134-C-A.
Other names: c.185G>T, p.Arg62Leu (NM_001440440.1, NM_001440444.1, NM_004031.4); c.146G>T, p.Arg49Leu (NM_001440442.1, NM_001440445.1, NM_001440446.1 and 1 more transcripts); short protein forms R49L, R62L.
Identifiers: ClinVar variation 4779727 (VCV004779727.1).